The following is an entry in ClinVar:

NM_021072.4(HCN1):c.159C>T (p.His53=)

Gene: HCN1 (hyperpolarization activated cyclic nucleotide gated potassium channel 1; minus strand). Cytogenetic location: 5p12.
Variant type: single nucleotide variant.
Coding change: c.159C>T on transcript NM_021072.4 (MANE Select); coding-DNA position 159, C replaced by T.
Protein change: p.His53=; no amino-acid change (histidine 53 retained).
Molecular consequence: synonymous variant.
Genome position (GRCh38, 1-based): chr5:45,695,935, G>A on the plus strand (C>T on the coding strand, the complement: HCN1 is on the minus strand). VCF-style: chr5-45695935-G-A. GRCh37 (hg19) VCF-style: chr5-45696037-G-A.
Identifiers: ClinVar variation 697886 (VCV000697886.36), dbSNP rs10066808, ClinGen allele CA118329977.

ClinVar aggregate classification (germline): Likely benign. Review status: criteria provided, multiple submitters, no conflicts (2 of 4 stars). 3 submissions from 3 submitters: Likely benign (3). Last evaluated 2025-12-22.

Conditions:
Inborn genetic diseases. Identifiers: MedGen C0950123, MeSH D030342.
Early-infantile DEE. Also called: Ohtahara syndrome; Early infantile epileptic encephalopathy with suppression bursts; Early infantile epileptic encephalopathy. Identifiers: Orphanet 1934, MedGen C0393706, MONDO:0800491.

Allele frequency attached by ClinVar (database versions not stated): 1000 Genomes Project 30x 0.00047.
gnomAD v4.1: 40 of 1,423,114 alleles (0.0028%); highest among the groups gnomAD compares: African/African-American, 0.05%; no homozygotes.

Submissions (3):

Labcorp Genetics (formerly Invitae), Labcorp
Classification: Likely benign for Early-infantile DEE. Last evaluated: 2025-12-22. Review status: criteria provided, single submitter. Criteria: Invitae Variant Classification Sherloc (09022015). Collection method: clinical testing. Allele origin: germline.

CeGaT Center for Human Genetics Tuebingen
Classification: Likely benign. Last evaluated: 2023-12-01. Review status: criteria provided, single submitter. Criteria: CeGaT Center For Human Genetics Tuebingen Variant Classification Criteria Version 2. Collection method: clinical testing. Allele origin: germline. Affected: yes. Observed: 1 variant allele.
Comment: HCN1: BP4, BP7

Ambry Genetics
Classification: Likely benign for Inborn genetic diseases. Last evaluated: 2019-03-02. Review status: criteria provided, single submitter. Criteria: Ambry Variant Classification Scheme 2023. Collection method: clinical testing. Allele origin: germline.